The following is an entry in ClinVar:

ClinVar aggregate classification (germline): Uncertain significance (1 of 4 stars; one submission).

Conditions:
Perlman syndrome (PRLMNS). Identifiers: Orphanet 2849, MedGen C0796113, MONDO:0009965, OMIM 267000.

Allele frequency attached by ClinVar (database versions not stated): TOPMed below 0.00001; gnomAD 0.00001.

Submission:

Labcorp Genetics (formerly Invitae), Labcorp
Classification: Uncertain significance for Perlman syndrome. Last evaluated: 2023-06-29. Review status: criteria provided, single submitter. Criteria: Invitae Variant Classification Sherloc (09022015). Collection method: clinical testing. Allele origin: germline.
Comment: In summary, the available evidence is currently insufficient to determine the role of this variant in disease. Therefore, it has been classified as a Variant of Uncertain Significance. Advanced modeling of protein sequence and biophysical properties (such as structural, functional, and spatial information, amino acid conservation, physicochemical variation, residue mobility, and thermodynamic stability) performed at Invitae indicates that this missense variant is expected to disrupt DIS3L2 protein function. This sequence change replaces aspartic acid, which is acidic and polar, with glycine, which is neutral and non-polar, at codon 651 of the DIS3L2 protein (p.Asp651Gly). This variant is not present in population databases (gnomAD no frequency). This variant has not been reported in the literature in individuals affected with DIS3L2-related conditions. ClinVar contains an entry for this variant (Variation ID: 841993).

NM_152383.5(DIS3L2):c.1952A>G (p.Asp651Gly)

Gene: DIS3L2 (DIS3 like 3'-5' exoribonuclease 2; plus strand). Cytogenetic location: 2q37.1.
Variant type: single nucleotide variant.
Coding change: c.1952A>G on transcript NM_152383.5 (MANE Select); coding-DNA position 1952, A replaced by G.
Protein change: p.Asp651Gly; replaces aspartic acid 651 with glycine.
Molecular consequence: missense variant. On other transcripts: non-coding transcript variant (2), intron variant (1).
Genome position (GRCh38, 1-based): chr2:232,330,718, A>G. VCF-style: chr2-232330718-A-G. GRCh37 (hg19) VCF-style: chr2-233195428-A-G.
Other names: c.1582-12627A>G (NM_001257281.2); short protein forms D651G.
Identifiers: ClinVar variation 841993 (VCV000841993.7), dbSNP rs1438042425, ClinGen allele CA350976567.